The following is an entry in ClinVar:

ClinVar aggregate classification (germline): Uncertain significance. Review status: criteria provided, multiple submitters, no conflicts (2 of 4 stars). 3 submissions from 3 submitters: Uncertain significance (3). Last evaluated 2025-07-08.

Conditions:
Hereditary cancer-predisposing syndrome. Also called: Neoplastic Syndromes, Hereditary; Hereditary Cancer Syndrome; Tumor predisposition; Hereditary neoplastic syndrome. Identifiers: Orphanet 140162, MedGen C0027672, MeSH D009386, MONDO:0015356.
Endometrial carcinoma. Also called: Endometrial carcinoma, somatic. Identifiers: MedGen C0476089, MONDO:0002447, OMIM 608089, HP:0012114.

Allele frequency attached by ClinVar (database versions not stated): gnomAD exomes 0.00001.
gnomAD v4.1: 8 of 1,613,812 alleles (0.0005%); highest among the groups gnomAD compares: Non-Finnish European, 0.00059%; no homozygotes.

Submissions (3):

Ambry Genetics
Classification: Uncertain significance for Hereditary cancer-predisposing syndrome. Last evaluated: 2025-07-08. Review status: criteria provided, single submitter. Criteria: Ambry Variant Classification Scheme 2023. Collection method: clinical testing. Allele origin: germline.
Comment: The p.G1069R variant (also known as c.3205G>A), located in coding exon 23 of the MSH3 gene, results from a G to A substitution at nucleotide position 3205. The glycine at codon 1069 is replaced by arginine, an amino acid with dissimilar properties. This amino acid position is highly conserved in available vertebrate species. In addition, this alteration is predicted to be deleterious by in silico analysis. Since supporting evidence is limited at this time, the clinical significance of this alteration remains unclear.

Labcorp Genetics (formerly Invitae), Labcorp
Classification: Uncertain significance. Last evaluated: 2025-01-28. Review status: criteria provided, single submitter. Criteria: Invitae Variant Classification Sherloc (09022015). Collection method: clinical testing. Allele origin: germline.
Comment: This sequence change replaces glycine, which is neutral and non-polar, with arginine, which is basic and polar, at codon 1069 of the MSH3 protein (p.Gly1069Arg). This variant is not present in population databases (gnomAD no frequency). This variant has not been reported in the literature in individuals affected with MSH3-related conditions. ClinVar contains an entry for this variant (Variation ID: 854940). An algorithm developed to predict the effect of missense changes on protein structure and function (PolyPhen-2) suggests that this variant is likely to be disruptive. In summary, the available evidence is currently insufficient to determine the role of this variant in disease. Therefore, it has been classified as a Variant of Uncertain Significance.

Baylor Genetics
Classification: Uncertain significance for Endometrial carcinoma. Last evaluated: 2024-02-22. Review status: criteria provided, single submitter. Criteria: ACMG Guidelines, 2015. Collection method: clinical testing. Allele origin: unknown.

NM_002439.5(MSH3):c.3205G>A (p.Gly1069Arg)

Gene: MSH3 (mutS homolog 3; plus strand). Cytogenetic location: 5q14.1.
Variant type: single nucleotide variant.
Coding change: c.3205G>A on transcript NM_002439.5 (MANE Select); coding-DNA position 3205, G replaced by A.
Protein change: p.Gly1069Arg; replaces glycine 1069 with arginine.
Molecular consequence: missense variant.
Genome position (GRCh38, 1-based): chr5:80,873,190, G>A. VCF-style: chr5-80873190-G-A. GRCh37 (hg19) VCF-style: chr5-80169009-G-A.
Other names: short protein forms G1069R.
Identifiers: ClinVar variation 854940 (VCV000854940.11), dbSNP rs776080458, ClinGen allele CA121753092.